The following is an entry in ClinVar:

NM_000179.3(MSH6):c.3456_3464del (p.Ala1154_Met1156del)

Gene: MSH6 (mutS homolog 6; plus strand). Cytogenetic location: 2p16.3.
Variant type: Deletion.
Coding change: c.3456_3464del on transcript NM_000179.3 (MANE Select); coding-DNA positions 3456 to 3464, 9 bases deleted (AATGGCCCA; older notation c.3456_3464delAATGGCCCA).
Protein change: p.Ala1154_Met1156del.
Molecular consequence: non-coding transcript variant (on NR_176256.1).
Genome position (GRCh38, 1-based): chr2:47,804,927-47,804,935, AATGGCCCA deleted. VCF-style (leftmost placement, unchanged base first): chr2-47804926-TAATGGCCCA-T. GRCh37 (hg19) VCF-style: chr2-48032065-TAATGGCCCA-T.
Other names: c.3066_3074del, p.Ala1024_Met1026del (NM_001281492.2); c.2550_2558del, p.Ala852_Met854del (NM_001281493.2, NM_001281494.2, NM_001406811.1 and 6 more transcripts); c.3552_3560del, p.Ala1186_Met1188del (NM_001406795.1, NM_001406802.1); c.3456_3464del, p.Ala1154_Met1156del (NM_001406796.1, NM_001406800.1, NM_001406808.1 and 1 more transcripts); c.3159_3167del, p.Ala1055_Met1057del (NM_001406797.1, NM_001406801.1, NM_001406805.1 and 10 more transcripts); c.3282_3290del, p.Ala1096_Met1098del (NM_001406798.1); c.2931_2939del, p.Ala979_Met981del (NM_001406799.1, NM_001406806.1, NM_001406807.1); c.2592_2600del, p.Ala866_Met868del (NM_001406803.1); and 7 more.
Identifiers: ClinVar variation 3647386 (VCV003647386.2).
Genomic context (GRCh38, chr2:47,804,926, plus strand): 5'-TGTTACTACCAGTCATAAAAGACCTTTTCCTCCCTCATTCACAGGCTGGCTTATTAGCTG[TAATGGCCCA>T]GATGGGTTGTTACGTCCCTGCTGAAGTGTGCAGGCTCACACCAATTGATAGAGTGTTTAC-3'

ClinVar aggregate classification (germline): Pathogenic (1 of 4 stars; one submission).

Conditions:
Hereditary nonpolyposis colorectal neoplasms. Identifiers: MedGen C0009405, MeSH D003123.

Submission:

Labcorp Genetics (formerly Invitae), Labcorp
Classification: Pathogenic for Hereditary nonpolyposis colorectal neoplasms. Last evaluated: 2025-01-15. Review status: criteria provided, single submitter. Criteria: Invitae Variant Classification Sherloc (09022015). Collection method: clinical testing. Allele origin: germline.
Comment: This variant, c.3456_3464del, results in the deletion of 3 amino acid(s) of the MSH6 protein (p.Ala1154_Met1156del), but otherwise preserves the integrity of the reading frame. This variant is not present in population databases (gnomAD no frequency). This variant has not been reported in the literature in individuals affected with MSH6-related conditions. Experimental studies and prediction algorithms are not available or were not evaluated, and the functional significance of this variant is currently unknown. This variant disrupts a region of the MSH6 protein in which other variant(s) (p.Ala1154Asp) have been determined to be pathogenic (internal data). This suggests that this is a clinically significant region of the protein, and that variants that disrupt it are likely to be disease-causing. For these reasons, this variant has been classified as Pathogenic.